The following is an entry in ClinVar:

NM_000297.4(PKD2):c.2819G>A (p.Arg940His)

Gene: PKD2 (polycystin 2, transient receptor potential cation channel; plus strand). Cytogenetic location: 4q22.1.
Variant type: single nucleotide variant.
Coding change: c.2819G>A on transcript NM_000297.4 (MANE Select); coding-DNA position 2819, G replaced by A.
Protein change: p.Arg940His; replaces arginine 940 with histidine.
Molecular consequence: missense variant. On other transcripts: non-coding transcript variant (1).
Genome position (GRCh38, 1-based): chr4:88,075,606, G>A. VCF-style: chr4-88075606-G-A. GRCh37 (hg19) VCF-style: chr4-88996758-G-A.
Other names: short protein forms R940H.
Identifiers: ClinVar variation 872746 (VCV000872746.46), dbSNP rs756158263, ClinGen allele CA100895395.
Genomic context (GRCh38, chr4:88,075,606, plus strand): 5'-ATGCAGCTTCCCAGATCAGTCATGGTTTAGGCACGCCAGTGGGACTAAATGGTCAACCTC[G>A]CCCCAGAAGCTCCCGCCCATCTTCCTCCCAATCTACAGAAGGCATGGAAGGTGCAGGTGG-3'
Protein context (NP_000288.1, residues 930-950): GTPVGLNGQP[Arg940His]PRSSRPSSSQ

ClinVar aggregate classification (germline): Uncertain significance. Review status: criteria provided, multiple submitters, no conflicts (2 of 4 stars). 3 submissions from 3 submitters: Uncertain significance (3). Last evaluated 2025-08-10.

Conditions:
Autosomal dominant polycystic kidney disease. Identifiers: Orphanet 730, MedGen C0085413, MONDO:0004691.
Polycystic kidney disease 2 (PKD2). Also called: Polycystic Kidney Disease 2, Autosomal Dominant; POLYCYSTIC KIDNEY DISEASE 2 WITH OR WITHOUT POLYCYSTIC LIVER DISEASE; POLYCYSTIC KIDNEY DISEASE, ADULT, TYPE II. Identifiers: MedGen C2751306, MONDO:0013131, OMIM 613095.

gnomAD v4.1: 39 of 1,614,108 alleles (0.0024%); highest among the groups gnomAD compares: East Asian, 0.069%; 1 homozygote.

Submissions (3):

Labcorp Genetics (formerly Invitae), Labcorp
Classification: Uncertain significance for Autosomal dominant polycystic kidney disease. Last evaluated: 2025-08-10. Review status: criteria provided, single submitter. Criteria: Invitae Variant Classification Sherloc (09022015). Collection method: clinical testing. Allele origin: germline.
Comment: This sequence change replaces arginine, which is basic and polar, with histidine, which is basic and polar, at codon 940 of the PKD2 protein (p.Arg940His). This variant is not present in population databases (gnomAD no frequency). This missense change has been observed in individual(s) with PKD2-related conditions (PMID: 29520754). ClinVar contains an entry for this variant (Variation ID: 872746). An algorithm developed to predict the effect of missense changes on protein structure and function outputs the following: PolyPhen-2: "Benign". The histidine amino acid residue is found in multiple mammalian species, which suggests that this missense change does not adversely affect protein function. In summary, the available evidence is currently insufficient to determine the role of this variant in disease. Therefore, it has been classified as a Variant of Uncertain Significance.

Fulgent Genetics
Classification: Uncertain significance for Polycystic kidney disease 2. Last evaluated: 2022-04-27. Review status: criteria provided, single submitter. Criteria: ACMG Guidelines, 2015. Collection method: clinical testing. Allele origin: unknown.

CeGaT Center for Human Genetics Tuebingen
Classification: Uncertain significance. Last evaluated: 2019-09-01. Review status: criteria provided, single submitter. Criteria: CeGaT Center For Human Genetics Tuebingen Variant Classification Criteria Version 2. Collection method: clinical testing. Allele origin: germline. Affected: yes. Observed: 3 variant alleles.

Literature cited by the submitters: PubMed 29520754 (cited by Labcorp Genetics (formerly Invitae), Labcorp).